The following is an entry in ClinVar:

ClinVar aggregate classification (germline): Conflicting classifications of pathogenicity. Review status: criteria provided, conflicting classifications (1 of 4 stars). 7 submissions from 7 submitters: Uncertain significance (1); Benign (1); Likely benign (2). 3 of the submissions do not count toward it. Last evaluated 2026-02-02.

Conditions:
HCFC1-related disorder. Also called: HCFC1-related condition.
Methylmalonic acidemia with homocystinuria, type cblX (MAHCX). Also called: INTELLECTUAL DEVELOPMENTAL DISORDER, X-LINKED 3. Identifiers: Orphanet 369962, MedGen C0796208, MONDO:0010657, OMIM 309541.

Allele frequency attached by ClinVar (database versions not stated): 1000 Genomes Project 30x 0.00042; 1000 Genomes Project 0.00053; gnomAD exomes 0.00067 and 0.00109; ESP Exome Variant Server 0.00070; TOPMed 0.00072; gnomAD 0.00078 and 0.00081; ExAC 0.00187.
gnomAD v4.1: 1,241 of 1,169,225 alleles (0.11%); highest among the groups gnomAD compares: Non-Finnish European, 0.13%; no homozygotes.

Submissions (7):

Labcorp Genetics (formerly Invitae), Labcorp
Classification: Benign for Methylmalonic acidemia with homocystinuria, type cblX. Last evaluated: 2026-02-02. Review status: criteria provided, single submitter. Criteria: Invitae Variant Classification Sherloc (09022015). Collection method: clinical testing. Allele origin: germline.

GeneDx
Classification: Likely benign. Last evaluated: 2017-03-14. Review status: criteria provided, single submitter. Criteria: GeneDx Variant Classification (06012015). Collection method: clinical testing. Allele origin: germline. Affected: yes.
Comment: This variant is considered likely benign or benign based on one or more of the following criteria: it is a conservative change, it occurs at a poorly conserved position in the protein, it is predicted to be benign by multiple in silico algorithms, and/or has population frequency not consistent with disease.

ARUP Laboratories, Molecular Genetics and Genomics, ARUP Laboratories
Classification: Likely benign. Last evaluated: 2016-11-01. Review status: criteria provided, single submitter. Criteria: ARUP Molecular Germline Variant Investigation Process. Collection method: clinical testing. Allele origin: germline.

Genetic Services Laboratory, University of Chicago
Classification: Uncertain significance. Last evaluated: 2014-09-27. Review status: criteria provided, single submitter. Criteria: ACMG Guidelines, 2015. Collection method: clinical testing. Allele origin: germline.

PreventionGenetics, part of Exact Sciences
Classification: Likely benign for HCFC1-related condition. Last evaluated: 2019-02-28. Review status: no assertion criteria provided. Collection method: clinical testing. Allele origin: germline. Not counted in ClinVar's aggregate classification.
Comment: This variant is classified as likely benign based on ACMG/AMP sequence variant interpretation guidelines (Richards et al. 2015 PMID: 25741868, with internal and published modifications).

Clinical Genetics DNA and cytogenetics Diagnostics Lab, Erasmus MC, Erasmus Medical Center
Classification: Likely benign. Review status: no assertion criteria provided. Collection method: clinical testing. Allele origin: germline. Affected: yes. Study: VKGL Data-share Consensus. Not counted in ClinVar's aggregate classification.

Genome Diagnostics Laboratory, University Medical Center Utrecht
Classification: Benign. Review status: no assertion criteria provided. Collection method: clinical testing. Allele origin: germline. Affected: yes. Study: VKGL Data-share Consensus. Not counted in ClinVar's aggregate classification.

NM_005334.3(HCFC1):c.3492C>T (p.Ser1164=)

Gene: HCFC1 (host cell factor C1; minus strand). Cytogenetic location: Xq28.
Variant type: single nucleotide variant.
Coding change: c.3492C>T on transcript NM_005334.3 (MANE Select); coding-DNA position 3492, C replaced by T.
Protein change: p.Ser1164=; no amino-acid change (serine 1164 retained).
Molecular consequence: synonymous variant.
Genome position (GRCh38, 1-based): chrX:153,954,907, G>A on the plus strand (C>T on the coding strand, the complement: HCFC1 is on the minus strand). VCF-style: chrX-153954907-G-A. GRCh37 (hg19) VCF-style: chrX-153220358-G-A.
Identifiers: ClinVar variation 211134 (VCV000211134.28), dbSNP rs376049260, ClinGen allele CA209474.